The following is an entry in ClinVar:

ClinVar aggregate classification (germline): Uncertain significance (1 of 4 stars; one submission).

Conditions:
CHARGE syndrome (CHARGE). Also called: Hittner Hirsch Kreh syndrome; CHARGE ASSOCIATION--COLOBOMA, HEART ANOMALY, CHOANAL ATRESIA, RETARDATION, GENITAL AND EAR ANOMALIES; Coloboma, heart anomaly, choanal atresia, retardation, genital and ear anomalies; CHARGE association; Hall-Hittner syndrome. Identifiers: Orphanet 138, MedGen C0265354, MONDO:0008965.

Submission:

Labcorp Genetics (formerly Invitae), Labcorp
Classification: Uncertain significance for CHARGE syndrome. Last evaluated: 2023-04-07. Review status: criteria provided, single submitter. Criteria: Invitae Variant Classification Sherloc (09022015). Collection method: clinical testing. Allele origin: germline.
Comment: This variant has not been reported in the literature in individuals affected with CHD7-related conditions. Advanced modeling of protein sequence and biophysical properties (such as structural, functional, and spatial information, amino acid conservation, physicochemical variation, residue mobility, and thermodynamic stability) has been performed at Invitae for this missense variant, however the output from this modeling did not meet the statistical confidence thresholds required to predict the impact of this variant on CHD7 protein function. In summary, the available evidence is currently insufficient to determine the role of this variant in disease. Therefore, it has been classified as a Variant of Uncertain Significance. This variant is not present in population databases (gnomAD no frequency). This sequence change replaces aspartic acid, which is acidic and polar, with histidine, which is basic and polar, at codon 2604 of the CHD7 protein (p.Asp2604His).

NM_017780.4(CHD7):c.7810G>C (p.Asp2604His)

Gene: CHD7 (chromodomain helicase DNA binding protein 7; plus strand). Cytogenetic location: 8q12.2.
Variant type: single nucleotide variant.
Coding change: c.7810G>C on transcript NM_017780.4 (MANE Select); coding-DNA position 7810, G replaced by C.
Protein change: p.Asp2604His; replaces aspartic acid 2604 with histidine.
Molecular consequence: missense variant. On other transcripts: intron variant (1).
Genome position (GRCh38, 1-based): chr8:60,861,105, G>C. VCF-style: chr8-60861105-G-C. GRCh37 (hg19) VCF-style: chr8-61773664-G-C.
Other names: c.1717-1124G>C (NM_001316690.1); short protein forms D2604H.
Identifiers: ClinVar variation 2835706 (VCV002835706.3), dbSNP rs775704728, ClinGen allele CA371304746.